The following is an entry in ClinVar:

NM_000709.4(BCKDHA):c.1167+4A>C

Gene: BCKDHA (branched chain keto acid dehydrogenase E1 subunit alpha; plus strand). Cytogenetic location: 19q13.2.
Variant type: single nucleotide variant.
Coding change: c.1167+4A>C on transcript NM_000709.4 (MANE Select); 4 bases into the intron after coding-DNA position 1167, A replaced by C.
Molecular consequence: intron variant.
Genome position (GRCh38, 1-based): chr19:41,423,173, A>C. VCF-style: chr19-41423173-A-C. GRCh37 (hg19) VCF-style: chr19-41929078-A-C.
Other names: c.1164+4A>C (NM_001164783.2).
Identifiers: ClinVar variation 457142 (VCV000457142.6), dbSNP rs546655391, ClinGen allele CA9461374.

ClinVar aggregate classification (germline): Uncertain significance. Review status: criteria provided, multiple submitters, no conflicts (2 of 4 stars). 3 submissions from 3 submitters: Uncertain significance (2). 1 of the submissions does not count toward it. Last evaluated 2026-02-17.

Conditions:
Maple syrup urine disease type 1A (MSUD1A). Also called: MSUD type 1A. Identifiers: MedGen C1855369, MONDO:0023691, OMIM 248600.
Maple syrup urine disease (MSUD). Identifiers: Orphanet 511, MedGen C0024776, MeSH D008375, MONDO:0009563. Disease mechanism: loss of function.

Allele frequency attached by ClinVar (database versions not stated): TOPMed 0.00004; gnomAD 0.00006; 1000 Genomes Project 30x 0.00016; 1000 Genomes Project 0.00020.

Submissions (4):

Women's Health and Genetics/Laboratory Corporation of America, LabCorp
Classification: Uncertain significance. Last evaluated: 2026-02-17. Review status: criteria provided, single submitter. Criteria: LabCorp Variant Classification Summary - May 2015. Collection method: clinical testing. Allele origin: germline.

Labcorp Genetics (formerly Invitae), Labcorp
Classification: Uncertain significance for Maple syrup urine disease. Last evaluated: 2018-01-13. Review status: criteria provided, single submitter. Criteria: Invitae Variant Classification Sherloc (09022015). Collection method: clinical testing. Allele origin: germline.
Comment: This sequence change falls in intron 8 of the BCKDHA gene. It does not directly change the encoded amino acid sequence of the BCKDHA protein, but it affects a nucleotide within the consensus splice site of the intron. This variant is present in population databases (rs546655391, ExAC 0.04%). This variant has not been reported in the literature in individuals with BCKDHA-related disease. Nucleotide substitutions within the consensus splice site are relatively common causes of aberrant splicing (PMID: 17576681, 9536098). Algorithms developed to predict the effect of sequence changes on RNA splicing suggest that this variant is not likely to affect RNA splicing, but this prediction has not been confirmed by published transcriptional studies. In summary, the available evidence is currently insufficient to determine the role of this variant in disease. Therefore, it has been classified as a Variant of Uncertain Significance.

Natera, Inc.
Classification: Uncertain significance for Maple syrup urine disease type 1A. Last evaluated: 2019-10-28. Review status: no assertion criteria provided. Collection method: clinical testing. Allele origin: germline. Not counted in ClinVar's aggregate classification.

Dr. Peter K. Rogan Lab, Western University
No classification provided (evidence only). Condition: Sarcoma. Review status: no classification provided. Collection method: in vitro. Allele origin: not applicable. Functional consequence: skipped exon, retained intron. Not counted in ClinVar's aggregate classification.

Literature cited by the submitters: PubMed 17576681 (cited by Labcorp Genetics (formerly Invitae), Labcorp); PubMed 9536098 (cited by Labcorp Genetics (formerly Invitae), Labcorp).